The following is an entry in ClinVar:

ClinVar aggregate classification (germline): Uncertain significance (1 of 4 stars; one submission).

Conditions:
RASopathy. Also called: rasopathies; Noonan spectrum disorder. Identifiers: Orphanet 536391, MedGen C5555857, MONDO:0021060.

Submission:

Labcorp Genetics (formerly Invitae), Labcorp
Classification: Uncertain significance for RASopathy. Last evaluated: 2025-05-19. Review status: criteria provided, single submitter. Criteria: Invitae Variant Classification Sherloc (09022015). Collection method: clinical testing. Allele origin: germline.
Comment: This sequence change replaces valine, which is neutral and non-polar, with alanine, which is neutral and non-polar, at codon 242 of the SOS1 protein (p.Val242Ala). This variant is not present in population databases (gnomAD no frequency). This variant has not been reported in the literature in individuals affected with SOS1-related conditions. Invitae Evidence Modeling of protein sequence and biophysical properties (such as structural, functional, and spatial information, amino acid conservation, physicochemical variation, residue mobility, and thermodynamic stability) has been performed for this missense variant. However, the output from this modeling did not meet the statistical confidence thresholds required to predict the impact of this variant on SOS1 protein function. In summary, the available evidence is currently insufficient to determine the role of this variant in disease. Therefore, it has been classified as a Variant of Uncertain Significance.

NM_005633.4(SOS1):c.725T>C (p.Val242Ala)

Gene: SOS1 (SOS Ras/Rac guanine nucleotide exchange factor 1; minus strand). Cytogenetic location: 2p22.1.
Variant type: single nucleotide variant.
Coding change: c.725T>C on transcript NM_005633.4 (MANE Select); coding-DNA position 725, T replaced by C.
Protein change: p.Val242Ala; replaces valine 242 with alanine.
Molecular consequence: missense variant.
Genome position (GRCh38, 1-based): chr2:39,051,283, A>G on the plus strand (T>C on the coding strand, the complement: SOS1 is on the minus strand). VCF-style: chr2-39051283-A-G. GRCh37 (hg19) VCF-style: chr2-39278424-A-G.
Other names: c.704T>C, p.Val235Ala (NM_001382394.1); c.725T>C, p.Val242Ala (NM_001382395.1); short protein forms V235A, V242A.
Identifiers: ClinVar variation 4810539 (VCV004810539.1).